The following is an entry in ClinVar:

NM_002354.2:c.1-45_1-26del

Gene: EPCAM (epithelial cell adhesion molecule; plus strand). Cytogenetic location: 2p21.
Variant type: Deletion.
Identifiers: ClinVar variation 182461 (VCV000182461.1).

ClinVar aggregate classification (germline): Benign (1 of 4 stars; one submission).

Conditions:
Hereditary cancer-predisposing syndrome. Also called: Tumor predisposition; Hereditary Cancer Syndrome; Hereditary neoplastic syndrome; Neoplastic Syndromes, Hereditary. Identifiers: Orphanet 140162, MedGen C0027672, MeSH D009386, MONDO:0015356.

Submission:

GeneDx
Classification: Benign for Neoplastic Syndromes, Hereditary. Last evaluated: 2013-10-24. Review status: criteria provided, single submitter. Criteria: GeneDx Variant Classification (06012015). Collection method: clinical testing. Allele origin: germline. Affected: yes.
Comment: The variant is found in ENDOM-HEREDIC,HEREDICANCER,BR-OV-HEREDIC panel(s).